The following is an entry in ClinVar:

ClinVar aggregate classification (germline): Benign/Likely benign. Review status: criteria provided, multiple submitters, no conflicts (2 of 4 stars). 5 submissions from 5 submitters: Benign (3); Likely benign (2). Last evaluated 2026-01-13.

Allele frequency attached by ClinVar (database versions not stated): TOPMed 0.00046; 1000 Genomes Project 30x 0.00062; 1000 Genomes Project 0.00079; ESP Exome Variant Server 0.00095; gnomAD exomes 0.00007 and 0.00011; ExAC 0.00019; gnomAD 0.00043 and 0.00045.
gnomAD v4.1: 123 of 1,208,869 alleles (0.01%); highest among the groups gnomAD compares: African/African-American, 0.18%; no homozygotes.

Submissions (5):

Labcorp Genetics (formerly Invitae), Labcorp
Classification: Benign. Last evaluated: 2026-01-13. Review status: criteria provided, single submitter. Criteria: Invitae Variant Classification Sherloc (09022015). Collection method: clinical testing. Allele origin: germline.

CeGaT Center for Human Genetics Tuebingen
Classification: Likely benign. Last evaluated: 2024-07-01. Review status: criteria provided, single submitter. Criteria: CeGaT Center For Human Genetics Tuebingen Variant Classification Criteria Version 2. Collection method: clinical testing. Allele origin: germline. Affected: yes. Observed: 1 variant allele.
Comment: CLCN4: BP4, BP7, BS2

Blueprint Genetics
Classification: Likely benign. Last evaluated: 2024-03-11. Review status: criteria provided, single submitter. Criteria: ACMG Guidelines, 2015. Collection method: clinical testing. Allele origin: germline.

GeneDx
Classification: Benign. Last evaluated: 2019-08-19. Review status: criteria provided, single submitter. Criteria: GeneDx Variant Classification Process June 2021. Collection method: clinical testing. Allele origin: germline. Affected: yes.

Breakthrough Genomics
Classification: Benign. Review status: criteria provided, single submitter. Criteria: ACMG Guidelines, 2015. Collection method: not provided. Allele origin: germline. Inheritance: X-linked inheritance. Affected: yes.

NM_001830.4(CLCN4):c.1062C>T (p.Ile354=)

Gene: CLCN4 (Cl-/H+ antiporter 4; plus strand). Cytogenetic location: Xp22.2.
Variant type: single nucleotide variant.
Coding change: c.1062C>T on transcript NM_001830.4 (MANE Select); coding-DNA position 1062, C replaced by T.
Protein change: p.Ile354=; no amino-acid change (isoleucine 354 retained).
Molecular consequence: synonymous variant.
Genome position (GRCh38, 1-based): chrX:10,208,263, C>T. VCF-style: chrX-10208263-C-T. GRCh37 (hg19) VCF-style: chrX-10176303-C-T.
Other names: c.780C>T, p.Ile260= (NM_001256944.2).
Identifiers: ClinVar variation 698219 (VCV000698219.31), dbSNP rs143683486, ClinGen allele CA10347172.